The following is an entry in ClinVar:

ClinVar aggregate classification (germline): Likely pathogenic (1 of 4 stars; one submission).

Conditions:
GNE myopathy (NM). Also called: INCLUSION BODY MYOPATHY, HEREDITARY, AUTOSOMAL RECESSIVE; INCLUSION BODY MYOPATHY 2, AUTOSOMAL RECESSIVE; NONAKA DISTAL MYOPATHY; MYOPATHY, DISTAL, WITH OR WITHOUT RIMMED VACUOLES; IBM 2; Inclusion body myopathy autosomal recessive. Identifiers: Orphanet 602, MedGen C1853926, MONDO:0011603, OMIM 605820.

Submission:

Myriad Genetics, Inc.
Classification: Likely pathogenic for GNE myopathy. Last evaluated: 2019-01-14. Review status: criteria provided, single submitter. Criteria: Myriad Women's Health Autosomal Recessive and X-Linked Classification Criteria (2019). Collection method: clinical testing. Allele origin: unknown.
Comment: NM_001128227.2(GNE):c.1048G>T(G350*) is expected to be pathogenic in the context of GNE myopathy. This variant is predicted to lead to an abnormal or absent protein product due to the creation of a premature termination codon in GNE, a gene where loss-of-function variants are known to be pathogenic. Please note: this variant was assessed in the context of healthy population screening.

NM_005476.7(GNE):c.955G>T (p.Gly319Ter)

Gene: GNE (glucosamine (UDP-N-acetyl)-2-epimerase/N-acetylmannosamine kinase; minus strand). Cytogenetic location: 9p13.3.
Variant type: single nucleotide variant.
Coding change: c.955G>T on transcript NM_005476.7 (MANE Select); coding-DNA position 955, G replaced by T.
Protein change: p.Gly319Ter; replaces glycine 319 with a stop codon.
Molecular consequence: nonsense.
Genome position (GRCh38, 1-based): chr9:36,233,947, C>A on the plus strand (G>T on the coding strand, the complement: GNE is on the minus strand). VCF-style: chr9-36233947-C-A. GRCh37 (hg19) VCF-style: chr9-36233944-C-A.
Other names: c.1048G>T, p.Gly350Ter (NM_001128227.3); c.955G>T, p.Gly319Ter (NM_001190383.3); c.625G>T, p.Gly209Ter (NM_001190384.3); c.778G>T, p.Gly260Ter (NM_001190388.2, NM_001374798.1); c.802G>T, p.Gly268Ter (NM_001374797.1); short protein forms G209*, G260*, G268*, G319*, G350*.
Identifiers: ClinVar variation 983571 (VCV000983571.3), dbSNP rs1829284405, ClinGen allele CA373430506.